The following is an entry in ClinVar:

NM_015698.6(GPKOW):c.11C>G (p.Ser4Cys)

Gene: GPKOW (G-patch domain and KOW motifs; minus strand). Cytogenetic location: Xp11.23.
Variant type: single nucleotide variant.
Coding change: c.11C>G on transcript NM_015698.6 (MANE Select); coding-DNA position 11, C replaced by G.
Protein change: p.Ser4Cys; replaces serine 4 with cysteine.
Molecular consequence: missense variant.
Genome position (GRCh38, 1-based): chrX:49,123,712, G>C on the plus strand (C>G on the coding strand, the complement: GPKOW is on the minus strand). VCF-style: chrX-49123712-G-C. GRCh37 (hg19) VCF-style: chrX-48980062-G-C.
Other names: short protein forms S4C.
Identifiers: ClinVar variation 3059955 (VCV003059955.2), dbSNP rs34513173, ClinGen allele CA10408949.
Genomic context (GRCh38, chrX:49,123,712, plus strand): 5'-GTGAAGCCGAATGAAATTGGGGCAGTGGAAGCAGCCGTCAGCGGCAAAACACCCTCTTTG[G>C]AGTCAGCCATCTTGCTCCTTTTCCCAGGCCGGCGCGCTGCTTGCTGGGAAATTTAGTTTG-3'
Protein context (NP_056513.2, residues 1-14): MAD[Ser4Cys]KEGVLPLTAA

ClinVar aggregate classification (germline): Benign (0 of 4 stars; one submission).

Conditions:
GPKOW-related disorder. Also called: GPKOW-related condition.

Allele frequency attached by ClinVar (database versions not stated): ESP Exome Variant Server 0.00038; gnomAD exomes 0.00296; gnomAD 0.00639; TOPMed 0.01072; 1000 Genomes Project 30x 0.01103; ExAC 0.01515.

Submission:

PreventionGenetics, part of Exact Sciences
Classification: Benign for GPKOW-related condition. Last evaluated: 2019-11-25. Review status: no assertion criteria provided. Collection method: clinical testing. Allele origin: germline.
Comment: This variant is classified as benign based on ACMG/AMP sequence variant interpretation guidelines (Richards et al. 2015 PMID: 25741868, with internal and published modifications).